The following is an entry in ClinVar:

NM_021252.5(RAB18):c.150T>A (p.Ile50=)

Gene: RAB18 (RAB18, member RAS oncogene family; plus strand). Cytogenetic location: 10p12.1.
Variant type: single nucleotide variant.
Coding change: c.150T>A on transcript NM_021252.5 (MANE Select); coding-DNA position 150, T replaced by A.
Protein change: p.Ile50=; no amino-acid change (isoleucine 50 retained).
Molecular consequence: synonymous variant.
Genome position (GRCh38, 1-based): chr10:27,526,853, T>A. VCF-style: chr10-27526853-T-A. GRCh37 (hg19) VCF-style: chr10-27815782-T-A.
Other names: c.150T>A, p.Ile50= (NM_001256410.2, NM_001256411.2, NM_001256412.2).
Identifiers: ClinVar variation 3027017 (VCV003027017.22), dbSNP rs2491639287, ClinGen allele CA468750297.

ClinVar aggregate classification (germline): Likely benign (1 of 4 stars; one submission).

Submission:

CeGaT Center for Human Genetics Tuebingen
Classification: Likely benign. Last evaluated: 2024-01-01. Review status: criteria provided, single submitter. Criteria: CeGaT Center For Human Genetics Tuebingen Variant Classification Criteria Version 2. Collection method: clinical testing. Allele origin: germline. Affected: yes. Observed: 1 variant allele.
Comment: RAB18: PM2:Supporting, BP4, BP7